The following is an entry in ClinVar:

NM_017849.4(TMEM127):c.397C>G (p.His133Asp)

Gene: TMEM127 (transmembrane protein 127; minus strand). Cytogenetic location: 2q11.2.
Variant type: single nucleotide variant.
Coding change: c.397C>G on transcript NM_017849.4 (MANE Select); coding-DNA position 397, C replaced by G.
Protein change: p.His133Asp; replaces histidine 133 with aspartic acid.
Molecular consequence: missense variant.
Genome position (GRCh38, 1-based): chr2:96,254,845, G>C on the plus strand (C>G on the coding strand, the complement: TMEM127 is on the minus strand). VCF-style: chr2-96254845-G-C. GRCh37 (hg19) VCF-style: chr2-96920583-G-C.
Other names: c.397C>G, p.His133Asp (NM_001193304.3); c.145C>G, p.His49Asp (NM_001407282.1, NM_001407283.1); short protein forms H133D, H49D.
Identifiers: ClinVar variation 1718592 (VCV001718592.5), dbSNP rs2467266070, ClinGen allele CA347653272.
Genomic context (GRCh38, chr2:96,254,845, plus strand): 5'-CCACCCTGTAGCAGTTCCTCTCCCACTGTGAGCAGGCTCACGGCTTACCCGTTAGGATAT[G>C]GGCGAAGGCATAGCGACGAGTGATCTTCAGAGCAGGATGCTTCGGCCCAAAGACATCCAG-3'
Protein context (NP_060319.1, residues 123-143): LKITRRYAFA[His133Asp]ILTVLQCATV

ClinVar aggregate classification (germline): Uncertain significance (1 of 4 stars; one submission).

Conditions:
Hereditary pheochromocytoma and paraganglioma. Also called: Hereditary pheochromocytoma-paraganglioma; Hereditary paragangliomas and pheochromocytomas; Hereditary Paraganglioma-Pheochromocytoma Syndromes. Identifiers: Orphanet 29072, MedGen C4274332, MONDO:0017366.

Submission:

Labcorp Genetics (formerly Invitae), Labcorp
Classification: Uncertain significance for Hereditary pheochromocytoma and paraganglioma. Last evaluated: 2022-09-01. Review status: criteria provided, single submitter. Criteria: Invitae Variant Classification Sherloc (09022015). Collection method: clinical testing. Allele origin: germline.
Comment: In summary, the available evidence is currently insufficient to determine the role of this variant in disease. Therefore, it has been classified as a Variant of Uncertain Significance. Algorithms developed to predict the effect of missense changes on protein structure and function (SIFT, PolyPhen-2, Align-GVGD) all suggest that this variant is likely to be disruptive. This variant has not been reported in the literature in individuals affected with TMEM127-related conditions. This variant is not present in population databases (gnomAD no frequency). This sequence change replaces histidine, which is basic and polar, with aspartic acid, which is acidic and polar, at codon 133 of the TMEM127 protein (p.His133Asp).